The following is an entry in ClinVar:

NM_001621.5(AHR):c.1673A>C (p.Asn558Thr)

Gene: AHR (aryl hydrocarbon receptor; plus strand). Cytogenetic location: 7p21.1.
Variant type: single nucleotide variant.
Coding change: c.1673A>C on transcript NM_001621.5 (MANE Select); coding-DNA position 1673, A replaced by C.
Protein change: p.Asn558Thr; replaces asparagine 558 with threonine.
Molecular consequence: missense variant.
Genome position (GRCh38, 1-based): chr7:17,339,498, A>C. VCF-style: chr7-17339498-A-C. GRCh37 (hg19) VCF-style: chr7-17379122-A-C.
Other names: short protein forms N558T.
Identifiers: ClinVar variation 1911729 (VCV001911729.2), dbSNP rs909119510, ClinGen allele CA154120753.

ClinVar aggregate classification (germline): Uncertain significance (1 of 4 stars; one submission).

Allele frequency attached by ClinVar (database versions not stated): gnomAD 0.00001; TOPMed 0.00002.
gnomAD v4.1: 4 of 1,613,988 alleles (0.00025%); highest among the groups gnomAD compares: Non-Finnish European, 0.000085%; no homozygotes.

Submission:

Labcorp Genetics (formerly Invitae), Labcorp
Classification: Uncertain significance. Last evaluated: 2022-01-15. Review status: criteria provided, single submitter. Criteria: Invitae Variant Classification Sherloc (09022015). Collection method: clinical testing. Allele origin: germline.
Comment: This sequence change replaces asparagine, which is neutral and polar, with threonine, which is neutral and polar, at codon 558 of the AHR protein (p.Asn558Thr). This variant is present in population databases (no rsID available, gnomAD 0.0009%). This variant has not been reported in the literature in individuals affected with AHR-related conditions. Algorithms developed to predict the effect of missense changes on protein structure and function (SIFT, PolyPhen-2, Align-GVGD) all suggest that this variant is likely to be tolerated. In summary, the available evidence is currently insufficient to determine the role of this variant in disease. Therefore, it has been classified as a Variant of Uncertain Significance.